The following is an entry in ClinVar:

NM_031935.3(HMCN1):c.15393C>T (p.Ser5131=)

Gene: HMCN1 (hemicentin 1; plus strand). Cytogenetic location: 1q31.1.
Variant type: single nucleotide variant.
Coding change: c.15393C>T on transcript NM_031935.3 (MANE Select); coding-DNA position 15393, C replaced by T.
Protein change: p.Ser5131=; no amino-acid change (serine 5131 retained).
Molecular consequence: synonymous variant.
Genome position (GRCh38, 1-based): chr1:186,166,257, C>T. VCF-style: chr1-186166257-C-T. GRCh37 (hg19) VCF-style: chr1-186135389-C-T.
Identifiers: ClinVar variation 294289 (VCV000294289.16), dbSNP rs142864872, ClinGen allele CA1295241.
Genomic context (GRCh38, chr1:186,166,257, plus strand): 5'-TGCAGCAGGGAATCCCTGCTCCCATAGCTGCCACAATGCCATGGGGACTTACTACTGCTC[C>T]TGCCCTAAAGGCCTCACCATAGCTGCAGATGGAAGAACTTGTCAAGGTATTCACAAATCT-3'
Protein context (NP_114141.2, residues 5121-5141): CHNAMGTYYC[Ser5131=]CPKGLTIAAD

ClinVar aggregate classification (germline): Benign/Likely benign. Review status: criteria provided, multiple submitters, no conflicts (2 of 4 stars). 4 submissions from 4 submitters: Benign (2); Likely benign (2). Last evaluated 2026-01-08.

Conditions:
Age related macular degeneration 1 (ARMD1). Also called: MACULOPATHY, AGE-RELATED, 1. Identifiers: MedGen C1864205, MONDO:0011285, OMIM 603075.

Allele frequency attached by ClinVar (database versions not stated): ESP Exome Variant Server 0.00015; TOPMed 0.00052; gnomAD exomes 0.00062 and 0.00140; gnomAD 0.00101 and 0.00108; ExAC 0.00134; 1000 Genomes Project 30x 0.00172; 1000 Genomes Project 0.00200.
gnomAD v4.1: 1,131 of 1,614,154 alleles (0.07%); highest among the groups gnomAD compares: East Asian, 0.37%; 4 homozygotes.

Submissions (4):

Labcorp Genetics (formerly Invitae), Labcorp
Classification: Benign. Last evaluated: 2026-01-08. Review status: criteria provided, single submitter. Criteria: Invitae Variant Classification Sherloc (09022015). Collection method: clinical testing. Allele origin: germline.

Blueprint Genetics
Classification: Likely benign. Last evaluated: 2024-10-22. Review status: criteria provided, single submitter. Criteria: ACMG Guidelines, 2015. Collection method: clinical testing. Allele origin: germline.

Genome-Nilou Lab
Classification: Benign for Age related macular degeneration 1. Last evaluated: 2023-04-11. Review status: criteria provided, single submitter. Criteria: ACMG Guidelines, 2015. Collection method: clinical testing. Allele origin: germline. Affected: no.

Illumina Laboratory Services, Illumina
Classification: Likely benign for Age related macular degeneration 1. Last evaluated: 2018-01-12. Review status: criteria provided, single submitter. Criteria: ICSL Variant Classification Criteria 13 December 2019. Collection method: clinical testing. Allele origin: germline.
Comment: This variant was observed in the ICSL laboratory as part of a predisposition screen in an ostensibly healthy population. It had not been previously curated by ICSL or reported in the Human Gene Mutation Database (HGMD: prior to June 1st, 2018), and was therefore a candidate for classification through an automated scoring system. Utilizing variant allele frequency, disease prevalence and penetrance estimates, and inheritance mode, an automated score was calculated to assess if this variant is too frequent to cause the disease. Based on the score and internal cut-off values, a variant classified as likely benign is not then subjected to further curation. The score for this variant resulted in a classification of likely benign for this disease.